The following is an entry in ClinVar:

NM_000245.4(MET):c.3523-217T>A

Gene: MET (MET proto-oncogene, receptor tyrosine kinase; plus strand). Cytogenetic location: 7q31.2.
Variant type: single nucleotide variant.
Coding change: c.3523-217T>A on transcript NM_000245.4 (MANE Select); 217 bases into the intron before coding-DNA position 3523, T replaced by A.
Molecular consequence: intron variant.
Genome position (GRCh38, 1-based): chr7:116,781,771, T>A. VCF-style: chr7-116781771-T-A. GRCh37 (hg19) VCF-style: chr7-116421825-T-A.
Other names: c.3577-217T>A (NM_001127500.3); c.2233-217T>A (NM_001324402.2).
Identifiers: ClinVar variation 676949 (VCV000676949.1), dbSNP rs73471132, ClinGen allele CA164910310.

ClinVar aggregate classification (germline): Benign (1 of 4 stars; one submission).

Allele frequency attached by ClinVar (database versions not stated): gnomAD 0.02576 and 0.02763; 1000 Genomes Project 0.02895; TOPMed 0.02980; 1000 Genomes Project 30x 0.03232.
gnomAD v4.1: 3,883 of 152,186 alleles (2.6%); highest among the groups gnomAD compares: African/African-American, 8.8%; 172 homozygotes.

Submission:

GeneDx
Classification: Benign. Last evaluated: 2018-06-18. Review status: criteria provided, single submitter. Criteria: GeneDx Variant Classification (06012015). Collection method: clinical testing. Allele origin: germline. Affected: yes.
Comment: This variant is considered likely benign or benign based on one or more of the following criteria: it is a conservative change, it occurs at a poorly conserved position in the protein, it is predicted to be benign by multiple in silico algorithms, and/or has population frequency not consistent with disease.